The following is an entry in ClinVar:

ClinVar aggregate classification (germline): Uncertain significance. Review status: criteria provided, multiple submitters, no conflicts (2 of 4 stars). 5 submissions from 5 submitters: Uncertain significance (5). Last evaluated 2024-09-30.

Conditions:
BRCA2-related disorder. Also called: BRCA2-related condition; BRCA2-related disorders. Identifiers: MedGen CN239275.
Hereditary cancer-predisposing syndrome. Also called: Hereditary neoplastic syndrome; Hereditary Cancer Syndrome; Neoplastic Syndromes, Hereditary; Tumor predisposition. Identifiers: Orphanet 140162, MedGen C0027672, MeSH D009386, MONDO:0015356.
Hereditary breast ovarian cancer syndrome. Also called: Hereditary breast and ovarian cancer syndrome; BRCA1- and BRCA2-Associated Hereditary Breast and Ovarian Cancer; Hereditary breast and/or ovarian cancer syndrome; Hereditary breast and ovarian cancer; Breast and ovarian cancer; Hereditary breast and ovarian cancer syndrome (HBOC). Identifiers: Orphanet 145, MedGen C0677776, MeSH D061325, MONDO:0003582. Disease mechanism: loss of function.
Breast-ovarian cancer, familial, susceptibility to, 2 (BROVCA2). Also called: BRCA2 Hereditary Breast and Ovarian Cancer. Identifiers: Orphanet 145, MedGen C2675520, MONDO:0012933, OMIM 612555. Disease mechanism: loss of function.

Allele frequency attached by ClinVar (database versions not stated): TOPMed below 0.00001; gnomAD 0.00001.
gnomAD v4.1: 1 of 1,613,384 alleles (0.000062%); highest among the groups gnomAD compares: Non-Finnish European, 0.000085%; no homozygotes.

Submissions (5):

Ambry Genetics
Classification: Uncertain significance for Hereditary cancer-predisposing syndrome. Last evaluated: 2024-09-30. Review status: criteria provided, single submitter. Criteria: Ambry Variant Classification Scheme 2023. Collection method: clinical testing. Allele origin: germline.
Comment: The p.I2449M variant (also known as c.7347T>G), located in coding exon 13 of the BRCA2 gene, results from a T to G substitution at nucleotide position 7347. The isoleucine at codon 2449 is replaced by methionine, an amino acid with highly similar properties. This amino acid position is poorly conserved in available vertebrate species. In addition, this alteration is predicted to be tolerated by in silico analysis. Since supporting evidence is limited at this time, the clinical significance of this alteration remains unclear.

Labcorp Genetics (formerly Invitae), Labcorp
Classification: Uncertain significance for Hereditary breast ovarian cancer syndrome. Last evaluated: 2024-04-25. Review status: criteria provided, single submitter. Criteria: Invitae Variant Classification Sherloc (09022015). Collection method: clinical testing. Allele origin: germline.
Comment: This sequence change replaces isoleucine, which is neutral and non-polar, with methionine, which is neutral and non-polar, at codon 2449 of the BRCA2 protein (p.Ile2449Met). This variant is not present in population databases (gnomAD no frequency). This variant has not been reported in the literature in individuals affected with BRCA2-related conditions. ClinVar contains an entry for this variant (Variation ID: 419618). Advanced modeling of protein sequence and biophysical properties (such as structural, functional, and spatial information, amino acid conservation, physicochemical variation, residue mobility, and thermodynamic stability) performed at Invitae indicates that this missense variant is not expected to disrupt BRCA2 protein function with a negative predictive value of 95%. In summary, the available evidence is currently insufficient to determine the role of this variant in disease. Therefore, it has been classified as a Variant of Uncertain Significance.

GeneDx
Classification: Uncertain significance. Last evaluated: 2023-11-19. Review status: criteria provided, single submitter. Criteria: GeneDx Variant Classification Process June 2021. Collection method: clinical testing. Allele origin: germline. Affected: yes.
Comment: Not observed at significant frequency in large population cohorts (gnomAD); In silico analysis supports that this missense variant does not alter protein structure/function; Has not been previously published as pathogenic or benign to our knowledge; Also known as 7575T>G; This variant is associated with the following publications: (PMID: 32377563, 29884841)

All of Us Research Program, National Institutes of Health
Classification: Uncertain significance for Breast-ovarian cancer, familial, susceptibility to, 2. Last evaluated: 2023-08-15. Review status: criteria provided, single submitter. Criteria: ACMG Guidelines, 2015. Collection method: clinical testing. Allele origin: germline. Inheritance: Autosomal dominant inheritance. Observed: 1 variant allele, 1 heterozygote.
Comment: This study involves interpretation of variants in research participants for the purpose of population health screening. Participant phenotype was not available at the time of variant classification. Additional details can be found in publication PMID: 35346344, PMCID: PMC8962531

PreventionGenetics, part of Exact Sciences
Classification: Uncertain significance for BRCA2-related condition. Last evaluated: 2023-02-28. Review status: criteria provided, single submitter. Criteria: ACMG Guidelines, 2015. Collection method: clinical testing. Allele origin: germline.
Comment: The BRCA2 c.7347T>G variant is predicted to result in the amino acid substitution p.Ile2449Met. To our knowledge, this variant has not been reported in the literature or in a large population database, indicating this variant is rare. This variant is listed in ClinVar as uncertain. At this time, the clinical significance of this variant is uncertain due to the absence of conclusive functional and genetic evidence.

NM_000059.4(BRCA2):c.7347T>G (p.Ile2449Met)

Gene: BRCA2 (BRCA2 DNA repair associated; plus strand). Cytogenetic location: 13q13.1.
Variant type: single nucleotide variant.
Coding change: c.7347T>G on transcript NM_000059.4 (MANE Select); coding-DNA position 7347, T replaced by G.
Protein change: p.Ile2449Met; replaces isoleucine 2449 with methionine.
Molecular consequence: missense variant.
Genome position (GRCh38, 1-based): chr13:32,355,200, T>G. VCF-style: chr13-32355200-T-G. GRCh37 (hg19) VCF-style: chr13-32929337-T-G.
Other names: short protein forms I2449M.
Identifiers: ClinVar variation 419618 (VCV000419618.18), dbSNP rs1057520563, ClinGen allele CA16619760.